The following is an entry in ClinVar:

ClinVar aggregate classification (germline): Uncertain significance (1 of 4 stars; one submission).

Submission:

GeneDx
Classification: Uncertain significance. Last evaluated: 2026-04-13. Review status: criteria provided, single submitter. Criteria: GeneDx Variant Classification Process June 2021. Collection method: clinical testing. Allele origin: germline.
Comment: Not observed at significant frequency in large population cohorts (gnomAD); In silico analysis suggests that this missense variant does not alter protein structure/function; Has not been previously published as pathogenic or benign to our knowledge

NM_001744.6(CAMK4):c.676T>A (p.Ser226Thr)

Gene: CAMK4 (calcium/calmodulin dependent protein kinase IV; plus strand). Cytogenetic location: 5q22.1.
Variant type: single nucleotide variant.
Coding change: c.676T>A on transcript NM_001744.6 (MANE Select); coding-DNA position 676, T replaced by A.
Protein change: p.Ser226Thr; replaces serine 226 with threonine.
Molecular consequence: missense variant.
Genome position (GRCh38, 1-based): chr5:111,473,361, T>A. VCF-style: chr5-111473361-T-A. GRCh37 (hg19) VCF-style: chr5-110809059-T-A.
Other names: c.676T>A, p.Ser226Thr (NM_001323374.2, NM_001323375.2); c.85T>A, p.Ser29Thr (NM_001323376.2, NM_001323377.2); short protein forms S226T, S29T.
Identifiers: ClinVar variation 5037107 (VCV005037107.1).